The following is an entry in ClinVar:

ClinVar aggregate classification (germline): Likely benign. Review status: criteria provided, multiple submitters, no conflicts (2 of 4 stars). 2 submissions from 2 submitters: Likely benign (2). Last evaluated 2023-02-15.

Conditions:
Hereditary breast ovarian cancer syndrome. Also called: Hereditary breast and ovarian cancer syndrome (HBOC); Hereditary breast and ovarian cancer; BRCA1- and BRCA2-Associated Hereditary Breast and Ovarian Cancer; Breast and ovarian cancer; Hereditary breast and ovarian cancer syndrome; Hereditary breast and/or ovarian cancer syndrome. Identifiers: Orphanet 145, MedGen C0677776, MeSH D061325, MONDO:0003582. Disease mechanism: loss of function.
Hereditary cancer-predisposing syndrome. Also called: Hereditary neoplastic syndrome; Tumor predisposition; Hereditary Cancer Syndrome; Neoplastic Syndromes, Hereditary. Identifiers: Orphanet 140162, MedGen C0027672, MeSH D009386, MONDO:0015356.

gnomAD v4.1: 1 of 1,607,934 alleles (0.000062%); highest among the groups gnomAD compares: East Asian, 0.0022%; no homozygotes.

Submissions (3):

Labcorp Genetics (formerly Invitae), Labcorp
Classification: Likely benign for Hereditary breast ovarian cancer syndrome. Last evaluated: 2023-02-15. Review status: criteria provided, single submitter. Criteria: Invitae Variant Classification Sherloc (09022015). Collection method: clinical testing. Allele origin: germline.

Color Diagnostics, LLC DBA Color Health
Classification: Likely benign for Hereditary cancer-predisposing syndrome. Last evaluated: 2018-05-22. Review status: criteria provided, single submitter. Criteria: ACMG Guidelines, 2015. Collection method: clinical testing. Allele origin: germline.

Brotman Baty Institute, University of Washington
No classification provided (evidence only). Condition: Breast-ovarian cancer, familial 1. Review status: no classification provided. Collection method: in vitro. Allele origin: not applicable. Functional consequence: functionally_normal. Not counted in ClinVar's aggregate classification.
ClinVar note: "not provided" was previously submitted as the classification for the variant. However, the classification appeared to be based only on an observation of functional data so it was converted to no classification on 2025-07-30.

NM_007294.4(BRCA1):c.5152+8T>C

Gene: BRCA1 (BRCA1 DNA repair associated; minus strand). Cytogenetic location: 17q21.31.
Variant type: single nucleotide variant.
Coding change: c.5152+8T>C on transcript NM_007294.4 (MANE Select); 8 bases into the intron after coding-DNA position 5152, T replaced by C.
Molecular consequence: intron variant.
Genome position (GRCh38, 1-based): chr17:43,063,866, A>G on the plus strand (T>C on the coding strand, the complement: BRCA1 is on the minus strand). VCF-style: chr17-43063866-A-G. GRCh37 (hg19) VCF-style: chr17-41215883-A-G.
Other names: c.1699+8T>C (NM_001408458.1, NM_001408461.1, NM_001408464.1 and 7 more transcripts); c.4261+8T>C (NM_001407967.1); c.4771+8T>C (NM_001407959.1); c.4885+8T>C (NM_001407931.1, NM_001407932.1, NM_001407928.1 and 4 more transcripts); c.5008+8T>C (NM_001407747.1, NM_001407745.1, NM_001407737.1 and 21 more transcripts); c.4768+8T>C (NM_001407962.1, NM_001407960.1); c.1339+8T>C (NM_001408512.1); c.1462+8T>C (NM_001408510.1); and 73 more.
Identifiers: ClinVar variation 627715 (VCV000627715.14), dbSNP rs1567769120, ClinGen allele CA913188796.